The following is an entry in ClinVar:

ClinVar aggregate classification (germline): Uncertain significance. Review status: criteria provided, multiple submitters, no conflicts (2 of 4 stars). 2 submissions from 2 submitters: Uncertain significance (2). Last evaluated 2025-06-07.

Conditions:
Inborn genetic diseases. Identifiers: MedGen C0950123, MeSH D030342.

Allele frequency attached by ClinVar (database versions not stated): ExAC 0.00001; TOPMed 0.00001; gnomAD 0.00002.
gnomAD v4.1: 10 of 1,614,002 alleles (0.00062%); highest among the groups gnomAD compares: African/African-American, 0.004%; 1 homozygote.

Submissions (2):

Ambry Genetics
Classification: Uncertain significance for Inborn genetic diseases. Last evaluated: 2025-06-07. Review status: criteria provided, single submitter. Criteria: Ambry Variant Classification Scheme 2023. Collection method: clinical testing. Allele origin: germline.

Labcorp Genetics (formerly Invitae), Labcorp
Classification: Uncertain significance. Last evaluated: 2021-09-25. Review status: criteria provided, single submitter. Criteria: Invitae Variant Classification Sherloc (09022015). Collection method: clinical testing. Allele origin: germline.
Comment: This sequence change replaces alanine with threonine at codon 1199 of the CACNA1D protein (p.Ala1199Thr). The alanine residue is highly conserved and there is a small physicochemical difference between alanine and threonine. This variant is present in population databases (rs757830356, ExAC 0.01%). In summary, the available evidence is currently insufficient to determine the role of this variant in disease. Therefore, it has been classified as a Variant of Uncertain Significance. Algorithms developed to predict the effect of missense changes on protein structure and function (SIFT, PolyPhen-2, Align-GVGD) all suggest that this variant is likely to be disruptive. This variant has not been reported in the literature in individuals affected with CACNA1D-related conditions.

NM_001128840.3(CACNA1D):c.3535G>A (p.Ala1179Thr)

Gene: CACNA1D (calcium voltage-gated channel subunit alpha1 D; plus strand). Cytogenetic location: 3p21.1.
Variant type: single nucleotide variant.
Coding change: c.3535G>A on transcript NM_001128840.3 (MANE Select); coding-DNA position 3535, G replaced by A.
Protein change: p.Ala1179Thr; replaces alanine 1179 with threonine.
Molecular consequence: missense variant.
Genome position (GRCh38, 1-based): chr3:53,751,767, G>A. VCF-style: chr3-53751767-G-A. GRCh37 (hg19) VCF-style: chr3-53785794-G-A.
Other names: c.3595G>A (NM_000720.2); c.3595G>A, p.Ala1199Thr (NM_000720.4); c.3535G>A, p.Ala1179Thr (NM_001128839.3); short protein forms A1179T, A1199T.
Identifiers: ClinVar variation 1479804 (VCV001479804.7), dbSNP rs757830356, ClinGen allele CA2454612.